The following is an entry in ClinVar:

NM_000043.6(FAS):c.230G>A (p.Gly77Glu)

Gene: FAS (Fas cell surface death receptor; plus strand). Cytogenetic location: 10q23.31.
Variant type: single nucleotide variant.
Coding change: c.230G>A on transcript NM_000043.6 (MANE Select); coding-DNA position 230, G replaced by A.
Protein change: p.Gly77Glu; replaces glycine 77 with glutamic acid.
Molecular consequence: missense variant. On other transcripts: non-coding transcript variant (4).
Genome position (GRCh38, 1-based): chr10:89,007,733, G>A. VCF-style: chr10-89007733-G-A. GRCh37 (hg19) VCF-style: chr10-90767490-G-A.
Other names: c.230G>A, p.Gly77Glu (NM_001320619.2, NM_152871.4, NM_152872.4); c.275G>A, p.Gly92Glu (NM_001410956.1); short protein forms G77E, G92E.
Identifiers: ClinVar variation 2991381 (VCV002991381.3), dbSNP rs1589475649, ClinGen allele CA377508140.
Genomic context (GRCh38, chr10:89,007,733, plus strand): 5'-ACACTTGCTCCTTTTTTCCTTGGGCAGGTGAAAGGAAAGCTAGGGACTGCACAGTCAATG[G>A]GGATGAACCAGACTGCGTGCCCTGCCAAGAAGGGAAGGAGTACACAGACAAAGCCCATTT-3'
Protein context (NP_000034.1, residues 67-87): ERKARDCTVN[Gly77Glu]DEPDCVPCQE

ClinVar aggregate classification (germline): Uncertain significance (1 of 4 stars; one submission).

Conditions:
Autoimmune lymphoproliferative syndrome type 1. Also called: AUTOIMMUNE LYMPHOPROLIFERATIVE SYNDROME, TYPE I, AUTOSOMAL DOMINANT. Identifiers: Orphanet 3261, MedGen C2717884, MONDO:0011158, OMIM 601859.

Allele frequency attached by ClinVar (database versions not stated): gnomAD exomes below 0.00001.
gnomAD v4.1: 1 of 1,613,964 alleles (0.000062%); highest among the groups gnomAD compares: Non-Finnish European, 0.000085%; no homozygotes.

Submission:

Labcorp Genetics (formerly Invitae), Labcorp
Classification: Uncertain significance for Autoimmune lymphoproliferative syndrome. Last evaluated: 2022-12-31. Review status: criteria provided, single submitter. Criteria: Invitae Variant Classification Sherloc (09022015). Collection method: clinical testing. Allele origin: germline.
Comment: In summary, the available evidence is currently insufficient to determine the role of this variant in disease. Therefore, it has been classified as a Variant of Uncertain Significance. Algorithms developed to predict the effect of missense changes on protein structure and function output the following: SIFT: "Not Available"; PolyPhen-2: "Benign"; Align-GVGD: "Not Available". The glutamic acid amino acid residue is found in multiple mammalian species, which suggests that this missense change does not adversely affect protein function. This variant has not been reported in the literature in individuals affected with FAS-related conditions. This variant is not present in population databases (gnomAD no frequency). This sequence change replaces glycine, which is neutral and non-polar, with glutamic acid, which is acidic and polar, at codon 77 of the FAS protein (p.Gly77Glu).